The following is an entry in ClinVar:

ClinVar aggregate classification (germline): Uncertain significance (1 of 4 stars; one submission).

Conditions:
Holoprosencephaly 3 (HPE3). Identifiers: Orphanet 2162, MedGen C1840529, MONDO:0007733, OMIM 142945.

Allele frequency attached by ClinVar (database versions not stated): gnomAD 0.00001; TOPMed 0.00001.

Submission:

Labcorp Genetics (formerly Invitae), Labcorp
Classification: Uncertain significance for Holoprosencephaly 3. Last evaluated: 2023-02-04. Review status: criteria provided, single submitter. Criteria: Invitae Variant Classification Sherloc (09022015). Collection method: clinical testing. Allele origin: germline.
Comment: In summary, the available evidence is currently insufficient to determine the role of this variant in disease. Therefore, it has been classified as a Variant of Uncertain Significance. This sequence change replaces arginine, which is basic and polar, with glycine, which is neutral and non-polar, at codon 232 of the SHH protein (p.Arg232Gly). This variant is present in population databases (no rsID available, gnomAD 0.003%). This missense change has been observed in individual(s) with holoprosencephaly (PMID: 19603532). Advanced modeling of protein sequence and biophysical properties (such as structural, functional, and spatial information, amino acid conservation, physicochemical variation, residue mobility, and thermodynamic stability) performed at Invitae indicates that this missense variant is not expected to disrupt SHH protein function. Experimental studies have shown that this missense change affects SHH function (PMID: 32939873).

Literature cited by the submitters: PubMed 19603532; PubMed 32939873.

NM_000193.4(SHH):c.694C>G (p.Arg232Gly)

Gene: SHH (sonic hedgehog signaling molecule; minus strand). Cytogenetic location: 7q36.3.
Variant type: single nucleotide variant.
Coding change: c.694C>G on transcript NM_000193.4 (MANE Select); coding-DNA position 694, C replaced by G.
Protein change: p.Arg232Gly; replaces arginine 232 with glycine.
Molecular consequence: missense variant. On other transcripts: intron variant (1).
Genome position (GRCh38, 1-based): chr7:155,803,595, G>C on the plus strand (C>G on the coding strand, the complement: SHH is on the minus strand). VCF-style: chr7-155803595-G-C. GRCh37 (hg19) VCF-style: chr7-155596289-G-C.
Other names: c.301+2701C>G (NM_001310462.2); short protein forms R232G.
Identifiers: ClinVar variation 2735114 (VCV002735114.3), dbSNP rs1347054935, ClinGen allele CA370146404.